The following is an entry in ClinVar:

NM_012193.4(FZD4):c.1417A>C (p.Asn473His)

Genes: FZD4 (frizzled class receptor 4; minus strand), PRSS23 (serine protease 23; plus strand). Cytogenetic location: 11q14.2.
Variant type: single nucleotide variant.
Coding change: c.1417A>C on transcript NM_012193.4 (MANE Select); coding-DNA position 1417, A replaced by C.
Protein change: p.Asn473His; replaces asparagine 473 with histidine.
Molecular consequence: missense variant. On other transcripts: non-coding transcript variant (2).
Genome position (GRCh38, 1-based): chr11:86,951,339, T>G on the plus strand (A>C on the coding strand, the complement: FZD4 is on the minus strand). VCF-style: chr11-86951339-T-G. GRCh37 (hg19) VCF-style: chr11-86662381-T-G.
Other names: short protein forms N473H.
Identifiers: ClinVar variation 3280292 (VCV003280292.4).

ClinVar aggregate classification (germline): Uncertain significance. Review status: criteria provided, multiple submitters, no conflicts (2 of 4 stars). 3 submissions from 3 submitters: Uncertain significance (3). Last evaluated 2024-09-23.

Conditions:
Inborn genetic diseases. Identifiers: MedGen C0950123, MeSH D030342.

gnomAD v4.1: 8 of 1,613,794 alleles (0.0005%); highest among the groups gnomAD compares: Non-Finnish European, 0.00068%; no homozygotes.

Submissions (3):

Labcorp Genetics (formerly Invitae), Labcorp
Classification: Uncertain significance. Last evaluated: 2024-09-23. Review status: criteria provided, single submitter. Criteria: Invitae Variant Classification Sherloc (09022015). Collection method: clinical testing. Allele origin: germline.
Comment: This sequence change replaces asparagine, which is neutral and polar, with histidine, which is basic and polar, at codon 473 of the FZD4 protein (p.Asn473His). This variant is present in population databases (rs780102146, gnomAD 0.002%). This variant has not been reported in the literature in individuals affected with FZD4-related conditions. Invitae Evidence Modeling of protein sequence and biophysical properties (such as structural, functional, and spatial information, amino acid conservation, physicochemical variation, residue mobility, and thermodynamic stability) indicates that this missense variant is not expected to disrupt FZD4 protein function with a negative predictive value of 80%. In summary, the available evidence is currently insufficient to determine the role of this variant in disease. Therefore, it has been classified as a Variant of Uncertain Significance.

Ambry Genetics
Classification: Uncertain significance for Inborn genetic diseases. Last evaluated: 2024-05-21. Review status: criteria provided, single submitter. Criteria: Ambry Variant Classification Scheme 2023. Collection method: clinical testing. Allele origin: germline.

Blueprint Genetics
Classification: Uncertain significance. Last evaluated: 2018-07-17. Review status: criteria provided, single submitter. Criteria: ACMG Guidelines, 2015. Collection method: clinical testing. Allele origin: germline.